The following is an entry in ClinVar:

ClinVar aggregate classification (germline): Conflicting classifications of pathogenicity. Review status: criteria provided, conflicting classifications (1 of 4 stars). 7 submissions from 7 submitters: Uncertain significance (2); Benign (1); Likely benign (2). 2 of the submissions do not count toward it. Last evaluated 2025-12-19.

Conditions:
GJB3-related disorder. Also called: GJB3-related condition.
Autosomal dominant nonsyndromic hearing loss 2B. Also called: DEAFNESS, AUTOSOMAL DOMINANT, WITH OR WITHOUT PERIPHERAL NEUROPATHY. Identifiers: Orphanet 90635, MedGen C2675236, MONDO:0012976, OMIM 612644.
Erythrokeratodermia variabilis et progressiva 1 (EKVP1). Also called: ERYTHROKERATODERMIA FIGURATA, CONGENITAL FAMILIAL, IN PLAQUES; ERYTHROKERATODERMIA VARIABILIS WITH ERYTHEMA GYRATUM REPENS; ERYTHROKERATODERMIA, PROGRESSIVE SYMMETRIC. Identifiers: Orphanet 317, MedGen C4551486, MONDO:0033010, OMIM 133200.

Allele frequency attached by ClinVar (database versions not stated): gnomAD exomes 0.00016 and 0.00064; gnomAD 0.00019 and 0.00020; TOPMed 0.00039; ExAC 0.00051; 1000 Genomes Project 30x 0.00094; 1000 Genomes Project 0.00100.

Submissions (7):

Labcorp Genetics (formerly Invitae), Labcorp
Classification: Benign. Last evaluated: 2025-12-19. Review status: criteria provided, single submitter. Criteria: Invitae Variant Classification Sherloc (09022015). Collection method: clinical testing. Allele origin: germline.

GeneDx
Classification: Likely benign. Last evaluated: 2021-06-04. Review status: criteria provided, single submitter. Criteria: GeneDx Variant Classification Process June 2021. Collection method: clinical testing. Allele origin: germline. Affected: yes.
Comment: In silico analysis, which includes protein predictors and evolutionary conservation, supports a deleterious effect; Published functional studies suggest this variant may cause impaired GJB3 trafficking and impaired gap junction localization (Xia et al., 2010); The majority of missense variants in this gene are considered pathogenic (Stenson et al., 2014); This variant is associated with the following publications: (PMID: 31442870, 30878560, 31914302, 31035178, 31992338, 28225033, 29106878, 30036422, 27176802, 30245029, 24737404, 29044474, 27610647, 25262649, 10587579, 9843210, 27541434, 29871341, 27766948, 26361564, 24612839, 26037344, 21204020, 30579095, 30235673, 28505178)

Illumina Laboratory Services, Illumina
Classification: Likely benign for Erythrokeratodermia variabilis et progressiva 1. Last evaluated: 2017-04-28. Review status: criteria provided, single submitter. Criteria: ICSL Variant Classification Criteria 13 December 2019. Collection method: clinical testing. Allele origin: germline.
Comment: This variant was observed as part of a predisposition screen in an ostensibly healthy population. A literature search was performed for the gene, cDNA change, and amino acid change (where applicable). No publications were found based on this search. Allele frequency data from public databases allowed determination this variant is unlikely to cause disease. Therefore, this variant is classified as likely benign.

Laboratory for Molecular Medicine, Mass General Brigham Personalized Medicine
Classification: Uncertain significance. Last evaluated: 2016-04-25. Review status: criteria provided, single submitter. Criteria: LMM Criteria. Collection method: clinical testing. Allele origin: germline.
Comment: Variant identified in a genome or exome case(s) and assessed due to predicted null impact of the variant or pathogenic assertions in the literature or databases. Disclaimer: This variant has not undergone full assessment. The following are preliminary notes: This gene has been removed from the otogenome due to a weak connection with HL. I would propose that it also be removed from our IF list. Furthermore, there is insufficient evidence for this variant to go above VUS

Eurofins Ntd Llc (ga)
Classification: Uncertain significance. Last evaluated: 2014-12-10. Review status: criteria provided, single submitter. Criteria: EGL Classification Definitions 2015. Collection method: clinical testing. Allele origin: germline. Observed: 2 variant alleles, 2 heterozygotes.

PreventionGenetics, part of Exact Sciences
Classification: Likely benign for GJB3-related condition. Last evaluated: 2024-07-30. Review status: no assertion criteria provided. Collection method: clinical testing. Allele origin: germline. Not counted in ClinVar's aggregate classification.
Comment: This variant is classified as likely benign based on ACMG/AMP sequence variant interpretation guidelines (Richards et al. 2015 PMID: 25741868, with internal and published modifications).

OMIM
Classification: Pathogenic for DEAFNESS, AUTOSOMAL DOMINANT 2B. Last evaluated: 1998-12-01. Review status: no assertion criteria provided. Collection method: literature only. Allele origin: germline. Not counted in ClinVar's aggregate classification.

Literature cited by the submitters: PubMed 9843210 (cited by OMIM).

NM_024009.3(GJB3):c.547G>A (p.Glu183Lys)

Gene: GJB3 (gap junction protein beta 3; plus strand). Cytogenetic location: 1p34.3.
Variant type: single nucleotide variant.
Coding change: c.547G>A on transcript NM_024009.3 (MANE Select); coding-DNA position 547, G replaced by A.
Protein change: p.Glu183Lys; replaces glutamic acid 183 with lysine.
Molecular consequence: missense variant.
Genome position (GRCh38, 1-based): chr1:34,785,309, G>A. VCF-style: chr1-34785309-G-A. GRCh37 (hg19) VCF-style: chr1-35250910-G-A.
Other names: c.547G>A, p.Glu183Lys (NM_001005752.2); short protein forms E183K.
Identifiers: ClinVar variation 6485 (VCV000006485.25), dbSNP rs74315318, ClinGen allele CA241798.